The following is an entry in ClinVar:

ClinVar aggregate classification (germline): Benign. Review status: criteria provided, multiple submitters, no conflicts (2 of 4 stars). 2 submissions from 2 submitters: Benign (2). Last evaluated 2018-01-12.

Conditions:
Sialuria. Also called: SIALURIA, FRENCH TYPE; Sialic Acid Storage Disease. Identifiers: Orphanet 3166, MedGen C0342853, MONDO:0010028, OMIM 269921.

Allele frequency attached by ClinVar (database versions not stated): gnomAD 0.10230 and 0.10493; TOPMed 0.10509; 1000 Genomes Project 30x 0.12492; 1000 Genomes Project 0.12979.

Submissions (2):

Illumina Laboratory Services, Illumina
Classification: Benign for Sialuria. Last evaluated: 2018-01-12. Review status: criteria provided, single submitter. Criteria: ICSL Variant Classification Criteria 13 December 2019. Collection method: clinical testing. Allele origin: germline.
Comment: This variant was observed in the ICSL laboratory as part of a predisposition screen in an ostensibly healthy population. It had not been previously curated by ICSL or reported in the Human Gene Mutation Database (HGMD: prior to June 1st, 2018), and was therefore a candidate for classification through an automated scoring system. Utilizing variant allele frequency, disease prevalence and penetrance estimates, and inheritance mode, an automated score was calculated to assess if this variant is too frequent to cause the disease. Based on the score and internal cut-off values, a variant classified as benign is not then subjected to further curation. The score for this variant resulted in a classification of benign for this disease.

Breakthrough Genomics
Classification: Benign. Review status: criteria provided, single submitter. Criteria: ACMG Guidelines, 2015. Collection method: not provided. Allele origin: germline. Inheritance: Autosomal recessive inheritance. Affected: yes.

NM_005476.7(GNE):c.*1826G>C

Gene: GNE (glucosamine (UDP-N-acetyl)-2-epimerase/N-acetylmannosamine kinase; minus strand). Cytogenetic location: 9p13.3.
Variant type: single nucleotide variant.
Coding change: c.*1826G>C on transcript NM_005476.7 (MANE Select); 1826 bases downstream of the stop codon, G replaced by C.
Molecular consequence: 3 prime UTR variant.
Genome position (GRCh38, 1-based): chr9:36,215,539, C>G on the plus strand (G>C on the coding strand, the complement: GNE is on the minus strand). VCF-style: chr9-36215539-C-G. GRCh37 (hg19) VCF-style: chr9-36215536-C-G.
Other names: c.*1826G>C (NM_001128227.3, NM_001190383.3, NM_001190384.3 and 3 more transcripts).
Identifiers: ClinVar variation 366810 (VCV000366810.7), dbSNP rs7044157, ClinGen allele CA10630061.